The following is an entry in ClinVar:

ClinVar aggregate classification (germline): Uncertain significance. Review status: criteria provided, multiple submitters, no conflicts (2 of 4 stars). 2 submissions from 2 submitters: Uncertain significance (2). Last evaluated 2025-08-15.

Conditions:
Hereditary cancer-predisposing syndrome. Also called: Tumor predisposition; Hereditary Cancer Syndrome; Hereditary neoplastic syndrome; Neoplastic Syndromes, Hereditary. Identifiers: Orphanet 140162, MedGen C0027672, MeSH D009386, MONDO:0015356.
Ataxia-telangiectasia syndrome (AT). Also called: Ataxia telangiectasia (A-T); LOUIS-BAR SYNDROME; Cerebello-oculocutaneous telangiectasia; Immunodeficiency with ataxia telangiectasia; ATAXIA-TELANGIECTASIA, COMPLEMENTATION GROUP A; ATAXIA-TELANGIECTASIA, FRESNO VARIANT. Identifiers: Orphanet 100, MedGen C0004135, MONDO:0008840, OMIM 208900.

Allele frequency attached by ClinVar (database versions not stated): gnomAD exomes below 0.00001; TOPMed below 0.00001.
gnomAD v4.1: 1 of 1,614,026 alleles (0.000062%); highest among the groups gnomAD compares: Non-Finnish European, 0.000085%; no homozygotes.

Submissions (2):

Ambry Genetics
Classification: Uncertain significance for Hereditary cancer-predisposing syndrome. Last evaluated: 2025-08-15. Review status: criteria provided, single submitter. Criteria: Ambry Variant Classification Scheme 2023. Collection method: clinical testing. Allele origin: germline.
Comment: The p.V1292L variant (also known as c.3874G>C), located in coding exon 25 of the ATM gene, results from a G to C substitution at nucleotide position 3874. The valine at codon 1292 is replaced by leucine, an amino acid with highly similar properties. This amino acid position is conserved. In addition, this alteration is predicted to be deleterious by in silico analysis. Since supporting evidence is limited at this time, the clinical significance of this alteration remains unclear.

Labcorp Genetics (formerly Invitae), Labcorp
Classification: Uncertain significance for Ataxia-telangiectasia syndrome. Last evaluated: 2023-05-08. Review status: criteria provided, single submitter. Criteria: Invitae Variant Classification Sherloc (09022015). Collection method: clinical testing. Allele origin: germline.
Comment: In summary, the available evidence is currently insufficient to determine the role of this variant in disease. Therefore, it has been classified as a Variant of Uncertain Significance. An algorithm developed to predict the effect of missense changes on protein structure and function (PolyPhen-2) suggests that this variant is likely to be disruptive. ClinVar contains an entry for this variant (Variation ID: 236711). This variant has not been reported in the literature in individuals affected with ATM-related conditions. This variant is not present in population databases (gnomAD no frequency). This sequence change replaces valine, which is neutral and non-polar, with leucine, which is neutral and non-polar, at codon 1292 of the ATM protein (p.Val1292Leu).

NM_000051.4(ATM):c.3874G>C (p.Val1292Leu)

Gene: ATM (ATM serine/threonine kinase; plus strand). Cytogenetic location: 11q22.3.
Variant type: single nucleotide variant.
Coding change: c.3874G>C on transcript NM_000051.4 (MANE Select); coding-DNA position 3874, G replaced by C.
Protein change: p.Val1292Leu; replaces valine 1292 with leucine.
Molecular consequence: missense variant.
Genome position (GRCh38, 1-based): chr11:108,284,354, G>C. VCF-style: chr11-108284354-G-C. GRCh37 (hg19) VCF-style: chr11-108155081-G-C.
Other names: c.3874G>C, p.Val1292Leu (NM_001351834.2); short protein forms V1292L.
Identifiers: ClinVar variation 236711 (VCV000236711.11), dbSNP rs878853506, ClinGen allele CA10582813.